The following is an entry in ClinVar:

ClinVar aggregate classification (germline): Benign (0 of 4 stars; one submission).

Conditions:
FCSK-related disorder. Also called: FCSK-related condition.

Allele frequency attached by ClinVar (database versions not stated): ESP Exome Variant Server 0.02831; gnomAD 0.03209; TOPMed 0.03524; 1000 Genomes Project 0.03574; 1000 Genomes Project 30x 0.03966.
gnomAD v4.1: 9,253 of 1,613,300 alleles (0.57%); highest among the groups gnomAD compares: African/African-American, 11%; 519 homozygotes.

Submission:

PreventionGenetics, part of Exact Sciences
Classification: Benign for FCSK-related condition. Last evaluated: 2019-06-17. Review status: no assertion criteria provided. Collection method: clinical testing. Allele origin: germline.
Comment: This variant is classified as benign based on ACMG/AMP sequence variant interpretation guidelines (Richards et al. 2015 PMID: 25741868, with internal and published modifications).

NM_145059.3(FCSK):c.-8T>G

Gene: FCSK (fucose kinase; plus strand). Cytogenetic location: 16q22.1.
Variant type: single nucleotide variant.
Coding change: c.-8T>G on transcript NM_145059.3 (MANE Select); 8 bases upstream of the start codon, T replaced by G.
Molecular consequence: 5 prime UTR variant.
Genome position (GRCh38, 1-based): chr16:70,463,183, T>G. VCF-style: chr16-70463183-T-G. GRCh37 (hg19) VCF-style: chr16-70497086-T-G.
Identifiers: ClinVar variation 3037745 (VCV003037745.2), dbSNP rs8044956, ClinGen allele CA8142687.